The following is an entry in ClinVar:

NM_004766.3(COPB2):c.1337G>A (p.Gly446Asp)

Gene: COPB2 (COPI coat complex subunit beta 2; minus strand). Cytogenetic location: 3q23.
Variant type: single nucleotide variant.
Coding change: c.1337G>A on transcript NM_004766.3 (MANE Select); coding-DNA position 1337, G replaced by A.
Protein change: p.Gly446Asp; replaces glycine 446 with aspartic acid.
Molecular consequence: missense variant. On other transcripts: non-coding transcript variant (1).
Genome position (GRCh38, 1-based): chr3:139,369,325, C>T on the plus strand (G>A on the coding strand, the complement: COPB2 is on the minus strand). VCF-style: chr3-139369325-C-T. GRCh37 (hg19) VCF-style: chr3-139088167-C-T.
Other names: c.1250G>A, p.Gly417Asp (NM_001410834.1); short protein forms G417D, G446D.
Identifiers: ClinVar variation 3368037 (VCV003368037.1).

ClinVar aggregate classification (germline): Uncertain significance (1 of 4 stars; one submission).

Submission:

GeneDx
Classification: Uncertain significance. Last evaluated: 2024-01-24. Review status: criteria provided, single submitter. Criteria: GeneDx Variant Classification Process June 2021. Collection method: clinical testing. Allele origin: germline. Affected: yes.
Comment: Not observed at significant frequency in large population cohorts (gnomAD); In silico analysis supports that this missense variant has a deleterious effect on protein structure/function; Has not been previously published as pathogenic or benign to our knowledge